The following is an entry in ClinVar:

NM_144999.4(LRRC45):c.797T>C (p.Ile266Thr)

Gene: LRRC45 (leucine rich repeat containing 45; plus strand). Cytogenetic location: 17q25.3.
Variant type: single nucleotide variant.
Coding change: c.797T>C on transcript NM_144999.4 (MANE Select); coding-DNA position 797, T replaced by C.
Protein change: p.Ile266Thr; replaces isoleucine 266 with threonine.
Molecular consequence: missense variant.
Genome position (GRCh38, 1-based): chr17:82,027,408, T>C. VCF-style: chr17-82027408-T-C. GRCh37 (hg19) VCF-style: chr17-79985284-T-C.
Other names: short protein forms I266T.
Identifiers: ClinVar variation 3350717 (VCV003350717.1).

ClinVar aggregate classification (germline): Likely benign (0 of 4 stars; one submission).

Conditions:
LRRC45-related disorder. Also called: LRRC45-related condition.

gnomAD v4.1: 991 of 1,612,666 alleles (0.061%); highest among the groups gnomAD compares: Non-Finnish European, 0.075%; 1 homozygote.

Submission:

PreventionGenetics, part of Exact Sciences
Classification: Likely benign for LRRC45-related condition. Last evaluated: 2024-08-07. Review status: no assertion criteria provided. Collection method: clinical testing. Allele origin: germline.
Comment: This variant is classified as likely benign based on ACMG/AMP sequence variant interpretation guidelines (Richards et al. 2015 PMID: 25741868, with internal and published modifications).